The following is an entry in ClinVar:

ClinVar aggregate classification (germline): Uncertain significance. Review status: criteria provided, multiple submitters, no conflicts (2 of 4 stars). 2 submissions from 2 submitters: Uncertain significance (2). Last evaluated 2025-01-10.

Allele frequency attached by ClinVar (database versions not stated): gnomAD exomes below 0.00001 and 0.00001.

Submissions (2):

Labcorp Genetics (formerly Invitae), Labcorp
Classification: Uncertain significance. Last evaluated: 2025-01-10. Review status: criteria provided, single submitter. Criteria: Invitae Variant Classification Sherloc (09022015). Collection method: clinical testing. Allele origin: germline.
Comment: This sequence change replaces arginine, which is basic and polar, with cysteine, which is neutral and slightly polar, at codon 2389 of the ACAN protein (p.Arg2389Cys). This variant is present in population databases (no rsID available, gnomAD 0.003%). This variant has not been reported in the literature in individuals affected with ACAN-related conditions. ClinVar contains an entry for this variant (Variation ID: 1686424). An algorithm developed to predict the effect of missense changes on protein structure and function (PolyPhen-2) suggests that this variant is likely to be disruptive. In summary, the available evidence is currently insufficient to determine the role of this variant in disease. Therefore, it has been classified as a Variant of Uncertain Significance.

Mendelics
Classification: Uncertain significance. Last evaluated: 2022-05-04. Review status: criteria provided, single submitter. Criteria: Mendelics Assertion Criteria 2019. Collection method: clinical testing. Allele origin: germline.

NM_001369268.1(ACAN):c.7279C>T (p.Arg2427Cys)

Gene: ACAN (aggrecan; plus strand). Cytogenetic location: 15q26.1.
Variant type: single nucleotide variant.
Coding change: c.7279C>T on transcript NM_001369268.1 (MANE Select); coding-DNA position 7279, C replaced by T.
Protein change: p.Arg2427Cys; replaces arginine 2427 with cysteine.
Molecular consequence: missense variant.
Genome position (GRCh38, 1-based): chr15:88,872,062, C>T. VCF-style: chr15-88872062-C-T. GRCh37 (hg19) VCF-style: chr15-89415293-C-T.
Other names: c.7051C>T, p.Arg2351Cys (NM_001135.4); c.7165C>T, p.Arg2389Cys (NM_013227.4); short protein forms R2351C, R2389C, R2427C.
Identifiers: ClinVar variation 1686424 (VCV001686424.6), dbSNP rs1326557887, ClinGen allele CA393730235.
Genomic context (GRCh38, chr15:88,872,062, plus strand): 5'-GACAATGCCCAAGACTACCAGTGGATCGGCCTGAACGACAGGACCATCGAAGGGGACTTC[C>T]GCTGGTCAGATGGACACCCCATGGTGAGTTCTGCTGTAGGCACAGCTGGTGGCCCAGGGG-3'
Protein context (NP_001356197.1, residues 2417-2437): LNDRTIEGDF[Arg2427Cys]WSDGHPMQFE